The following is an entry in ClinVar:

ClinVar aggregate classification (germline): Uncertain significance (1 of 4 stars; one submission).

Conditions:
Cardiovascular phenotype. Identifiers: MedGen CN230736.

Submission:

Ambry Genetics
Classification: Uncertain significance for Cardiovascular phenotype. Last evaluated: 2026-06-18. Review status: criteria provided, single submitter. Criteria: Ambry Variant Classification Scheme 2023. Collection method: clinical testing. Allele origin: germline.
Comment: The p.S329N variant (also known as c.986G>A), located in coding exon 6 of the EPHB4 gene, results from a G to A substitution at nucleotide position 986. The serine at codon 329 is replaced by asparagine, an amino acid with highly similar properties. This amino acid position is conserved. In addition, this alteration is predicted to be tolerated by in silico analysis. Based on the available evidence, the clinical significance of this variant remains unclear.

NM_004444.5(EPHB4):c.986G>A (p.Ser329Asn)

Gene: EPHB4 (EPH receptor B4; minus strand). Cytogenetic location: 7q22.1.
Variant type: single nucleotide variant.
Coding change: c.986G>A on transcript NM_004444.5 (MANE Select); coding-DNA position 986, G replaced by A.
Protein change: p.Ser329Asn; replaces serine 329 with asparagine.
Molecular consequence: missense variant.
Genome position (GRCh38, 1-based): chr7:100,819,868, C>T on the plus strand (G>A on the coding strand, the complement: EPHB4 is on the minus strand). VCF-style: chr7-100819868-C-T. GRCh37 (hg19) VCF-style: chr7-100417490-C-T.
Other names: short protein forms S329N.
Identifiers: ClinVar variation 5036042 (VCV005036042.1).